The following is an entry in ClinVar:

ClinVar aggregate classification (germline): Benign (1 of 4 stars; one submission).

Conditions:
Leigh syndrome (NULS). Also called: Leigh's necrotizing encephalopathy; Leigh's disease; Leigh Syndrome (mtDNA deletion); Leigh Disease; Subacute necrotizing encephalopathy; Necrotizing encephalopathy infantile subacute of Leigh. Identifiers: Orphanet 506, MedGen C2931891, MONDO:0009723, OMIM 256000.

Submission:

Wong Mito Lab, Molecular and Human Genetics, Baylor College of Medicine
Classification: Benign for Leigh syndrome. Last evaluated: 2019-10-17. Review status: criteria provided, single submitter. Criteria: Modified ACMG Guidelines (Unpublished). Collection method: clinical testing. Allele origin: germline.
Comment: The NC_012920.1:m.8659A>G (YP_003024031.1:p.Thr45Ala) variant in MTATP6 gene is interpretated to be a Benign variant based on the modified ACMG guidelines (unpublished). This variant meets the following evidence codes: BS1, BS2, BP4

NC_012920.1(MT-ATP6):m.8659A>G

Gene: MT-ATP6 (mitochondrially encoded ATP synthase 6; plus strand).
Variant type: single nucleotide variant.
Genome position: chrM-8659-A-G.
Identifiers: ClinVar variation 692945 (VCV000692945.1), dbSNP rs879150284, ClinGen allele CA337097977.